The following is an entry in ClinVar:

ClinVar aggregate classification (germline): Uncertain significance. Review status: criteria provided, multiple submitters, no conflicts (2 of 4 stars). 2 submissions from 2 submitters: Uncertain significance (2). Last evaluated 2022-10-31.

Conditions:
Schimke immuno-osseous dysplasia (SIOD). Also called: Schimke Immunoosseous Dysplasia. Identifiers: Orphanet 1830, MedGen C0877024, MONDO:0009458, OMIM 242900.

Submissions (2):

GeneDx
Classification: Uncertain significance. Last evaluated: 2022-10-31. Review status: criteria provided, single submitter. Criteria: GeneDx Variant Classification Process June 2021. Collection method: clinical testing. Allele origin: germline. Affected: yes.
Comment: Not observed at significant frequency in large population cohorts (gnomAD); In silico analysis supports a deleterious effect on protein structure/function; Has not been previously published as pathogenic or benign to our knowledge

Labcorp Genetics (formerly Invitae), Labcorp
Classification: Uncertain significance for Schimke immuno-osseous dysplasia. Last evaluated: 2022-03-26. Review status: criteria provided, single submitter. Criteria: Invitae Variant Classification Sherloc (09022015). Collection method: clinical testing. Allele origin: germline.
Comment: This sequence change replaces proline, which is neutral and non-polar, with leucine, which is neutral and non-polar, at codon 711 of the SMARCAL1 protein (p.Pro711Leu). This variant is present in population databases (no rsID available, gnomAD 0.08%). This variant has not been reported in the literature in individuals affected with SMARCAL1-related conditions. Algorithms developed to predict the effect of missense changes on protein structure and function are either unavailable or do not agree on the potential impact of this missense change (SIFT: "Not Available"; PolyPhen-2: "Possibly Damaging"; Align-GVGD: "Not Available"). In summary, the available evidence is currently insufficient to determine the role of this variant in disease. Therefore, it has been classified as a Variant of Uncertain Significance.

NM_014140.4(SMARCAL1):c.2132_2133delinsTT (p.Pro711Leu)

Gene: SMARCAL1 (SNF2 related chromatin remodeling annealing helicase 1; plus strand). Cytogenetic location: 2q35.
Variant type: Indel.
Coding change: c.2132_2133delinsTT on transcript NM_014140.4 (MANE Select); coding-DNA positions 2132 to 2133, CA replaced by TT.
Protein change: p.Pro711Leu; replaces proline 711 with leucine.
Molecular consequence: missense variant.
Genome position (GRCh38, 1-based): chr2:216,464,658-216,464,659, CA replaced by TT. VCF-style: chr2-216464658-CA-TT. GRCh37 (hg19) VCF-style: chr2-217329381-CA-TT.
Other names: c.2132_2133delinsTT, p.Pro711Leu (NM_001127207.2); c.2132_2133delinsTT (NM_014140.3); short protein forms P711L.
Identifiers: ClinVar variation 1406992 (VCV001406992.5), dbSNP rs2106073109, ClinGen allele CA2573135200.